The following is an entry in ClinVar:

NM_004369.4(COL6A3):c.4031C>T (p.Ser1344Leu)

Gene: COL6A3 (collagen type VI alpha 3 chain; minus strand). Cytogenetic location: 2q37.3.
Variant type: single nucleotide variant.
Coding change: c.4031C>T on transcript NM_004369.4 (MANE Select); coding-DNA position 4031, C replaced by T.
Protein change: p.Ser1344Leu; replaces serine 1344 with leucine.
Molecular consequence: missense variant.
Genome position (GRCh38, 1-based): chr2:237,371,986, G>A on the plus strand (C>T on the coding strand, the complement: COL6A3 is on the minus strand). VCF-style: chr2-237371986-G-A. GRCh37 (hg19) VCF-style: chr2-238280629-G-A.
Other names: c.2810C>T, p.Ser937Leu (NM_057164.5); c.3413C>T, p.Ser1138Leu (NM_057165.5, NM_057167.4); c.2210C>T, p.Ser737Leu (NM_057166.5); c.4031C>T (NM_004369.3); short protein forms S1138L, S937L, S1344L, S737L.
Identifiers: ClinVar variation 1383035 (VCV001383035.7), dbSNP rs777759049, ClinGen allele CA67818973.

ClinVar aggregate classification (germline): Conflicting classifications of pathogenicity. Review status: criteria provided, conflicting classifications (1 of 4 stars). 2 submissions from 2 submitters: Uncertain significance (1); Likely benign (1). Last evaluated 2025-05-19.

Conditions:
Bethlem myopathy 1A. Also called: MYOPATHY, BENIGN CONGENITAL, WITH CONTRACTURES; Bethlem myopathy 1; Bethlem Muscular Dystrophy. Identifiers: Orphanet 610, MedGen CN029274, MONDO:0024530, OMIM 158810.
COL6A3-related disorder. Also called: COL6A3-related disorders; COL6A3-related condition.

Allele frequency attached by ClinVar (database versions not stated): gnomAD exomes below 0.00001 and 0.00002; gnomAD 0.00001; TOPMed 0.00004.

Submissions (2):

Labcorp Genetics (formerly Invitae), Labcorp
Classification: Likely benign for Bethlem myopathy 1A. Last evaluated: 2025-05-19. Review status: criteria provided, single submitter. Criteria: Invitae Variant Classification Sherloc (09022015). Collection method: clinical testing. Allele origin: germline.

PreventionGenetics, part of Exact Sciences
Classification: Uncertain significance for COL6A3-related condition. Last evaluated: 2025-04-22. Review status: criteria provided, single submitter. Criteria: ACMG Guidelines, 2015. Collection method: clinical testing. Allele origin: germline.
Comment: The COL6A3 c.4031C>T variant is predicted to result in the amino acid substitution p.Ser1344Leu. To our knowledge, this variant has not been reported in the literature. This variant is reported in 0.0029% of alleles in individuals of Latino descent in gnomAD. At this time, the clinical significance of this variant is uncertain due to the absence of conclusive functional and genetic evidence.